The following is an entry in ClinVar:

NM_002474.3(MYH11):c.5897A>G (p.Asn1966Ser)

Genes: NDE1 (nudE neurodevelopment protein 1; plus strand), MYH11 (myosin heavy chain 11; minus strand). Cytogenetic location: 16p13.11.
Variant type: single nucleotide variant.
Coding change: c.5897A>G on transcript NM_002474.3 (MANE Select); coding-DNA position 5897, A replaced by G.
Protein change: p.Asn1966Ser; replaces asparagine 1966 with serine.
Molecular consequence: missense variant. On other transcripts: 3 prime UTR variant (2), intron variant (2).
Genome position (GRCh38, 1-based): chr16:15,704,013, T>C on the plus strand (A>G on the coding strand, the complement: MYH11 is on the minus strand). VCF-style: chr16-15704013-T-C. GRCh37 (hg19) VCF-style: chr16-15797870-T-C.
Other names: c.*119A>G (NM_001040113.2, NM_022844.3); c.5918A>G, p.Asn1973Ser (NM_001040114.2); c.947+7153T>C (NM_001143979.2, NM_017668.3); short protein forms N1973S, N1966S.
Identifiers: ClinVar variation 487586 (VCV000487586.4), dbSNP rs1317809527, ClinGen allele CA394843490.

ClinVar aggregate classification (germline): Uncertain significance. Review status: criteria provided, single submitter (1 of 4 stars). 2 submissions from 2 submitters: Uncertain significance (1). 1 of the submissions does not count toward it. Last evaluated 2018-11-24.

Conditions:
Familial thoracic aortic aneurysm and aortic dissection (TAAD). Also called: Thoracic aortic aneurysms and dissections. Identifiers: Orphanet 91387, MedGen C4707243, MONDO:0019625.
Wolff-Parkinson-White pattern. Also called: WPW SYNDROME; Auriculoventricular accessory pathway syndrome; False bundle branch block syndrome; Anomalous ventricular excitation syndrome. Identifiers: MedGen C0043202, MONDO:0008685, OMIM 194200, HP:0001716.

Allele frequency attached by ClinVar (database versions not stated): TOPMed below 0.00001.
gnomAD v4.1: 3 of 1,614,160 alleles (0.00019%); highest among the groups gnomAD compares: Admixed American, 0.0017%; no homozygotes.

Submissions (2):

Color Diagnostics, LLC DBA Color Health
Classification: Uncertain significance for Familial thoracic aortic aneurysm and aortic dissection. Last evaluated: 2018-11-24. Review status: criteria provided, single submitter. Criteria: ACMG Guidelines, 2015. Collection method: clinical testing. Allele origin: germline.
Comment: Variant of Uncertain Significance due to insufficient evidence: This variant changes a conserved nucleotide in the 3' untranslated region of the MYH11 gene. To our knowledge, functional assays have not been performed for this variant nor has this variant been reported in individuals affected with cardiovascular disorders in the literature. This variant has been identified in 2/246270 chromosomes in the general population by the Genome Aggregation Database (gnomAD). Available evidence is insufficient to determine the pathogenicity of this variant conclusively.

Lupski Lab, Baylor-Hopkins CMG, Baylor College of Medicine
Classification: Uncertain significance for Wolff-Parkinson-White pattern. Last evaluated: 2017-07-14. Review status: no assertion criteria provided. Collection method: research. Allele origin: unknown. Affected: yes. Observed: 1 variant allele. Study: Candidate_variants_in_patients_with_ Wolff-Parkinson-White Syndrome. Not counted in ClinVar's aggregate classification.